The following is an entry in ClinVar:

NM_001080442.3(SLC38A8):c.292C>T (p.Pro98Ser)

Gene: SLC38A8 (solute carrier family 38 member 8; minus strand). Cytogenetic location: 16q23.3.
Variant type: single nucleotide variant.
Coding change: c.292C>T on transcript NM_001080442.3 (MANE Select); coding-DNA position 292, C replaced by T.
Protein change: p.Pro98Ser; replaces proline 98 with serine.
Molecular consequence: missense variant.
Genome position (GRCh38, 1-based): chr16:84,036,798, G>A on the plus strand (C>T on the coding strand, the complement: SLC38A8 is on the minus strand). VCF-style: chr16-84036798-G-A. GRCh37 (hg19) VCF-style: chr16-84070403-G-A.
Other names: short protein forms P98S.
Identifiers: ClinVar variation 3164600 (VCV003164600.3), dbSNP rs371344960, ClinGen allele CA8200398.

ClinVar aggregate classification (germline): Conflicting classifications of pathogenicity. Review status: criteria provided, conflicting classifications (1 of 4 stars). 2 submissions from 2 submitters: Uncertain significance (1); Likely benign (1). Last evaluated 2026-03-16.

Conditions:
Foveal hypoplasia - optic nerve decussation defect - anterior segment dysgenesis syndrome. Also called: Foveal hypoplasia 2; FOVEAL HYPOPLASIA 2 WITH OR WITHOUT OPTIC NERVE MISROUTING AND/OR ANTERIOR SEGMENT DYSGENESIS; FOVEAL HYPOPLASIA 2 WITH OR WITHOUT MICROPHTHALMIA OR COLOBOMA; FOVEAL HYPOPLASIA 2 WITH OPTIC NERVE DECUSSATION DEFECTS AND ANTERIOR SEGMENT DYSGENESIS WITHOUT ALBINISM. Identifiers: Orphanet 397618, MedGen C3807873, MONDO:0012216, OMIM 609218.
Inborn genetic diseases. Identifiers: MedGen C0950123, MeSH D030342.

Allele frequency attached by ClinVar (database versions not stated): ESP Exome Variant Server 0.00008.
gnomAD v4.1: 85 of 1,614,018 alleles (0.0053%); highest among the groups gnomAD compares: East Asian, 0.06%; no homozygotes.

Submissions (2):

Centre for Medical Genetics,  Mumbai
Classification: Likely benign for Foveal hypoplasia - optic nerve decussation defect - anterior segment dysgenesis syndrome. Last evaluated: 2026-03-16. Review status: criteria provided, single submitter. Criteria: ACMG Guidelines, 2015. Collection method: provider interpretation. Allele origin: germline. Inheritance: Autosomal recessive inheritance. Affected: no. Observed: 1 variant allele, 1 homozygote.
Comment: The variant satisfies PM2 criteria; Extremely low frequency in gnomAD population databases. The variant satisfies BP4 criteria; For a missense or a splice region variant, computational prediction tools unanimously support a benign effect on the gene. However, the variant satisfies BS2 criteria.

Ambry Genetics
Classification: Uncertain significance for Inborn genetic diseases. Last evaluated: 2024-06-10. Review status: criteria provided, single submitter. Criteria: Ambry Variant Classification Scheme 2023. Collection method: clinical testing. Allele origin: germline.

Literature cited by the submitters: PubMed 24045842 (cited by Centre for Medical Genetics,  Mumbai).